The following is an entry in ClinVar:

NM_000051.4(ATM):c.8491_8497del (p.Phe2831fs)

Genes: ATM (ATM serine/threonine kinase; plus strand), C11orf65 (chromosome 11 open reading frame 65; minus strand). Cytogenetic location: 11q22.3.
Variant type: Deletion.
Coding change: c.8491_8497del on transcript NM_000051.4 (MANE Select); coding-DNA positions 8491 to 8497, 7 bases deleted (TTCCGTT; older notation c.8491_8497delTTCCGTT).
Protein change: p.Phe2831fs; shifts the reading frame from phenylalanine 2831.
Molecular consequence: frameshift variant. On other transcripts: intron variant (2).
Genome position (GRCh38, 1-based): chr11:108,345,815-108,345,821, TTCCGTT deleted; deleting any 7 consecutive bases within chr11:108,345,812-108,345,821 gives the same sequence; the c. name uses the placement nearest the transcript's 3' end. VCF-style (leftmost placement, unchanged base first): chr11-108345811-AGTTTTCC-A. GRCh37 (hg19) VCF-style: chr11-108216538-AGTTTTCC-A.
Other names: NR_147053.3:n.2299+9097_2299+9103del; c.8491_8497del, p.Phe2831fs (NM_001351834.2); c.641-36747_641-36741del (NM_001330368.2); c.695-10526_695-10520del (NM_001351110.2); short protein forms F2831fs.
Identifiers: ClinVar variation 3572871 (VCV003572871.2).
Genomic context (GRCh38, chr11:108,345,811, plus strand): 5'-AAAAAAGTCTTTTGAAGAGAAATATGAAGTCTTCATGGATGTTTGCCAAAATTTTCAACC[AGTTTTCC>A]GTTACTTCTGCATGGAAAAATTCTTGGATCCAGCTATTTGGTTTGAGAAGCGATTGGCTT-3'

ClinVar aggregate classification (germline): Pathogenic (3 of 4 stars; one submission).

Conditions:
ATM-related cancer predisposition. Also called: ATM-related cancer susceptibility. Identifiers: MedGen CN377759, MONDO:0700270.

Submission:

ClinGen Hereditary Breast, Ovarian and Pancreatic Cancer Variant Curation Expert Panel, ClinGen
Classification: Pathogenic for ATM-related cancer predisposition. Last evaluated: 2024-11-26. Review status: reviewed by expert panel. Criteria: ClinGen HBOP ACMG Specifications ATM V1.3.0. Collection method: curation. Allele origin: germline. Inheritance: Autosomal dominant inheritance.
Comment: The c.8491_8497del (p.Phe2831Thrfs*24) variant in ATM is a frameshift variant predicted to cause a premature stop codon in biologically-relevant-exon leading to nonsense mediated decay in a gene in which loss-of-function is an established disease mechanism. This alteration results in a termination codon upstream of the most C-terminal pathogenic alteration (ATM p.Arg3047*), as classified by the HBOP VCEP, and is expected to be more deleterious. This variant has been detected in at least 1 individual with Ataxia-Telangiectasia (PMID: 26896183). This variant is absent from gnomAD v.2.1.1. In summary, this variant meets the criteria to be classified as pathogenic for autosomal dominant ATM-related cancer predisposition and autosomal recessive Ataxia-Telangiectasia based on the ACMG/AMP criteria applied as specified by the HBOP VCEP. (PVS1, PM5_Supporting, PM3_ Supporting, PM2_Supporting)